The following is an entry in ClinVar:

NM_012186.3(FOXE3):c.548C>A (p.Pro183Gln)

Genes: FOXE3 (forkhead box E3; plus strand), LINC01389 (long intergenic non-protein coding RNA 1389; minus strand). Cytogenetic location: 1p33.
Variant type: single nucleotide variant.
Coding change: c.548C>A on transcript NM_012186.3 (MANE Select); coding-DNA position 548, C replaced by A.
Protein change: p.Pro183Gln; replaces proline 183 with glutamine.
Molecular consequence: missense variant.
Genome position (GRCh38, 1-based): chr1:47,416,863, C>A. VCF-style: chr1-47416863-C-A. GRCh37 (hg19) VCF-style: chr1-47882535-C-A.
Other names: short protein forms P183Q.
Identifiers: ClinVar variation 2563298 (VCV002563298.2), dbSNP rs1646886867, ClinGen allele CA340250218.

ClinVar aggregate classification (germline): Uncertain significance (1 of 4 stars; one submission).

Conditions:
Cardiovascular phenotype. Identifiers: MedGen CN230736.

Submission:

Ambry Genetics
Classification: Uncertain significance for Cardiovascular phenotype. Last evaluated: 2023-04-14. Review status: criteria provided, single submitter. Criteria: Ambry Variant Classification Scheme 2023. Collection method: clinical testing. Allele origin: germline.
Comment: The p.P183Q variant (also known as c.548C>A), located in coding exon 1 of the FOXE3 gene, results from a C to A substitution at nucleotide position 548. The proline at codon 183 is replaced by glutamine, an amino acid with similar properties. This amino acid position is conserved. In addition, this alteration is predicted to be tolerated by in silico analysis. Since supporting evidence is limited at this time, the clinical significance of this alteration remains unclear.